The following is an entry in ClinVar:

ClinVar aggregate classification (germline): Uncertain significance. Review status: criteria provided, multiple submitters, no conflicts (2 of 4 stars). 2 submissions from 2 submitters: Uncertain significance (2). Last evaluated 2025-02-14.

Conditions:
Renal cell carcinoma. Identifiers: Orphanet 217071, MedGen C0007134, MeSH D002292, MONDO:0005086, HP:0005584.
Hereditary cancer-predisposing syndrome. Also called: Tumor predisposition; Hereditary Cancer Syndrome; Hereditary neoplastic syndrome; Neoplastic Syndromes, Hereditary. Identifiers: Orphanet 140162, MedGen C0027672, MeSH D009386, MONDO:0015356.

Submissions (2):

Ambry Genetics
Classification: Uncertain significance for Hereditary cancer-predisposing syndrome. Last evaluated: 2025-02-14. Review status: criteria provided, single submitter. Criteria: Ambry Variant Classification Scheme 2023. Collection method: clinical testing. Allele origin: germline.
Comment: The p.L1080P variant (also known as c.3239T>C), located in coding exon 14 of the MET gene, results from a T to C substitution at nucleotide position 3239. The leucine at codon 1080 is replaced by proline, an amino acid with similar properties. This amino acid position is highly conserved in available vertebrate species. In addition, this alteration is predicted to be deleterious by in silico analysis. Based on the available evidence, the clinical significance of this variant remains unclear.

Labcorp Genetics (formerly Invitae), Labcorp
Classification: Uncertain significance for Renal cell carcinoma. Last evaluated: 2024-10-10. Review status: criteria provided, single submitter. Criteria: Invitae Variant Classification Sherloc (09022015). Collection method: clinical testing. Allele origin: germline.
Comment: This sequence change replaces leucine, which is neutral and non-polar, with proline, which is neutral and non-polar, at codon 1080 of the MET protein (p.Leu1080Pro). This variant is not present in population databases (gnomAD no frequency). This variant has not been reported in the literature in individuals affected with MET-related conditions. Invitae Evidence Modeling of protein sequence and biophysical properties (such as structural, functional, and spatial information, amino acid conservation, physicochemical variation, residue mobility, and thermodynamic stability) indicates that this missense variant is expected to disrupt MET protein function with a positive predictive value of 80%. In summary, the available evidence is currently insufficient to determine the role of this variant in disease. Therefore, it has been classified as a Variant of Uncertain Significance.

NM_000245.4(MET):c.3185T>C (p.Leu1062Pro)

Gene: MET (MET proto-oncogene, receptor tyrosine kinase; plus strand). Cytogenetic location: 7q31.2.
Variant type: single nucleotide variant.
Coding change: c.3185T>C on transcript NM_000245.4 (MANE Select); coding-DNA position 3185, T replaced by C.
Protein change: p.Leu1062Pro; replaces leucine 1062 with proline.
Molecular consequence: missense variant.
Genome position (GRCh38, 1-based): chr7:116,775,037, T>C. VCF-style: chr7-116775037-T-C. GRCh37 (hg19) VCF-style: chr7-116415091-T-C.
Other names: c.3239T>C, p.Leu1080Pro (NM_001127500.3); c.1895T>C, p.Leu632Pro (NM_001324402.2); short protein forms L1080P, L1062P, L632P.
Identifiers: ClinVar variation 3719589 (VCV003719589.3).